The following is an entry in ClinVar:

NM_022168.4(IFIH1):c.1585A>C (p.Lys529Gln)

Gene: IFIH1 (interferon induced with helicase C domain 1; minus strand). Cytogenetic location: 2q24.2.
Variant type: single nucleotide variant.
Coding change: c.1585A>C on transcript NM_022168.4 (MANE Select); coding-DNA position 1585, A replaced by C.
Protein change: p.Lys529Gln; replaces lysine 529 with glutamine.
Molecular consequence: missense variant.
Genome position (GRCh38, 1-based): chr2:162,280,052, T>G on the plus strand (A>C on the coding strand, the complement: IFIH1 is on the minus strand). VCF-style: chr2-162280052-T-G. GRCh37 (hg19) VCF-style: chr2-163136562-T-G.
Other names: short protein forms K529Q.
Identifiers: ClinVar variation 4995041 (VCV004995041.1).
Genomic context (GRCh38, chr2:162,280,052, plus strand): 5'-ATACTTCTCTGGTTGCATCTGCAATGGCAAACTTCTTGCATGGCTCCTGTATTTGGTTTT[T>G]CAGTTGATCAAGGTTTTCTTTAACAGTTTTAATAGTAAATGCATCAAGATTGGCACATAG-3'
Protein context (NP_071451.2, residues 519-539): KTVKENLDQL[Lys529Gln]NQIQEPCKKF

ClinVar aggregate classification (germline): Uncertain significance (1 of 4 stars; one submission).

Conditions:
IFIH1-related disorder. Also called: IFIH1-related condition.

gnomAD v4.1: 2 of 1,611,746 alleles (0.00012%); highest among the groups gnomAD compares: Non-Finnish European, 0.00017%; no homozygotes.

Submission:

PreventionGenetics, part of Exact Sciences
Classification: Uncertain significance for IFIH1-related condition. Last evaluated: 2026-09-08. Review status: criteria provided, single submitter. Criteria: ACMG Guidelines, 2015. Collection method: clinical testing. Allele origin: germline.
Comment: The IFIH1 c.1585A>C variant is predicted to result in the amino acid substitution p.Lys529Gln. To our knowledge, this variant has not been reported in the literature or in a large population database (gnomAD), indicating this variant is rare. At this time, the clinical significance of this variant is uncertain due to the absence of conclusive functional and genetic evidence.